The following is an entry in ClinVar:

ClinVar aggregate classification (germline): Uncertain significance (1 of 4 stars; one submission).

Conditions:
Developmental delay with variable intellectual impairment and behavioral abnormalities. Identifiers: MedGen C5193092, MONDO:0032745, OMIM 618430.

Submission:

Neuberg Centre For Genomic Medicine, NCGM
Classification: Uncertain significance for Developmental delay with variable intellectual impairment and behavioral abnormalities. Review status: criteria provided, single submitter. Criteria: ACMG Guidelines, 2015. Collection method: clinical testing. Allele origin: germline. Inheritance: Autosomal dominant inheritance. Affected: yes.
Comment: The missense variant c.364C>Ap.Gln122Lys in TCF20 gene has not been reported previously as a pathogenic variant nor as a benign variant, to our knowledge. The variant is novel not in any individuals in gnomAD Exomes and 1000 Genomes.The amino acid Glutamine at position 122 is changed to a Lysine changing protein sequence and it might alter its composition and physico-chemical properties. The amino acid change p.Gln122Lys in TCF20 is predicted as conserved by GERP++ and PhyloP across 100 vertebrates. For these reasons, this variant has been classified as Uncertain Significance.

NM_001378418.1(TCF20):c.364C>A (p.Gln122Lys)

Gene: TCF20 (transcription factor 20; minus strand). Cytogenetic location: 22q13.2.
Variant type: single nucleotide variant.
Coding change: c.364C>A on transcript NM_001378418.1 (MANE Select); coding-DNA position 364, C replaced by A.
Protein change: p.Gln122Lys; replaces glutamine 122 with lysine.
Molecular consequence: missense variant.
Genome position (GRCh38, 1-based): chr22:42,214,942, G>T on the plus strand (C>A on the coding strand, the complement: TCF20 is on the minus strand). VCF-style: chr22-42214942-G-T. GRCh37 (hg19) VCF-style: chr22-42610948-G-T.
Other names: c.364C>A, p.Gln122Lys (NM_005650.4, NM_181492.3); short protein forms Q122K.
Identifiers: ClinVar variation 3235039 (VCV003235039.1), dbSNP rs138734341, ClinGen allele CA411793171.